The following is an entry in ClinVar:

ClinVar aggregate classification (germline): Uncertain significance (1 of 4 stars; one submission).

Conditions:
Inborn genetic diseases. Identifiers: MedGen C0950123, MeSH D030342.

Allele frequency attached by ClinVar (database versions not stated): TOPMed below 0.00001; gnomAD exomes 0.00002; ExAC 0.00009.
gnomAD v4.1: 24 of 1,601,856 alleles (0.0015%); highest among the groups gnomAD compares: South Asian, 0.02%; no homozygotes.

Submission:

Ambry Genetics
Classification: Uncertain significance for Inborn genetic diseases. Last evaluated: 2021-01-27. Review status: criteria provided, single submitter. Criteria: Ambry Variant Classification Scheme 2023. Collection method: clinical testing. Allele origin: germline.
Comment: The c.3746T>C (p.L1249S) alteration is located in exon 37 (coding exon 37) of the DOCK3 gene. This alteration results from a T to C substitution at nucleotide position 3746, causing the leucine (L) at amino acid position 1249 to be replaced by a serine (S). The in silico prediction for the p.L1249S alteration is inconclusive. Based on insufficient or conflicting evidence, the clinical significance of this alteration remains unclear.

NM_004947.5(DOCK3):c.3746T>C (p.Leu1249Ser)

Gene: DOCK3 (dedicator of cytokinesis 3; plus strand). Cytogenetic location: 3p21.2.
Variant type: single nucleotide variant.
Coding change: c.3746T>C on transcript NM_004947.5 (MANE Select); coding-DNA position 3746, T replaced by C.
Protein change: p.Leu1249Ser; replaces leucine 1249 with serine.
Molecular consequence: missense variant.
Genome position (GRCh38, 1-based): chr3:51,339,008, T>C. VCF-style: chr3-51339008-T-C. GRCh37 (hg19) VCF-style: chr3-51376439-T-C.
Other names: short protein forms L1249S.
Identifiers: ClinVar variation 2226682 (VCV002226682.2), dbSNP rs775648325, ClinGen allele CA2421562.
Genomic context (GRCh38, chr3:51,339,008, plus strand): 5'-CTGAGATTAACAAGGAAGAAATGTATATCCGCTACATCCATAAGCTTTGTGACATGCACT[T>C]GCAGGCCGAAAACTACACAGGTAAGTGGGGAGAAGAGAGAGCCATGCCTGACCATGAGGA-3'
Protein context (NP_004938.1, residues 1239-1259): RYIHKLCDMH[Leu1249Ser]QAENYTEAAF